The following is an entry in ClinVar:

ClinVar aggregate classification (germline): Uncertain significance. Review status: criteria provided, single submitter (1 of 4 stars). 2 submissions from 2 submitters: Uncertain significance (1). 1 of the submissions does not count toward it. Last evaluated 2021-10-23.

Conditions:
MERTK-related disorder. Also called: MERTK-related condition.

Allele frequency attached by ClinVar (database versions not stated): gnomAD 0.00001; gnomAD exomes 0.00003 and 0.00005; TOPMed 0.00003; ExAC 0.00004.
gnomAD v4.1: 16 of 1,560,916 alleles (0.001%); highest among the groups gnomAD compares: Admixed American, 0.028%; no homozygotes.

Submissions (2):

Labcorp Genetics (formerly Invitae), Labcorp
Classification: Uncertain significance. Last evaluated: 2021-10-23. Review status: criteria provided, single submitter. Criteria: Invitae Variant Classification Sherloc (09022015). Collection method: clinical testing. Allele origin: germline.
Comment: This sequence change replaces aspartic acid with histidine at codon 774 of the MERTK protein (p.Asp774His). The aspartic acid residue is highly conserved and there is a moderate physicochemical difference between aspartic acid and histidine. This variant is present in population databases (rs776309058, ExAC 0.04%). This variant has not been reported in the literature in individuals with MERTK-related conditions. Algorithms developed to predict the effect of missense changes on protein structure and function (SIFT, PolyPhen-2, Align-GVGD) all suggest that this variant is likely to be disruptive, but these predictions have not been confirmed by published functional studies and their clinical significance is uncertain. In summary, the available evidence is currently insufficient to determine the role of this variant in disease. Therefore, it has been classified as a Variant of Uncertain Significance.

PreventionGenetics, part of Exact Sciences
Classification: Uncertain significance for MERTK-related condition. Last evaluated: 2024-09-10. Review status: no assertion criteria provided. Collection method: clinical testing. Allele origin: germline. Not counted in ClinVar's aggregate classification.
Comment: The MERTK c.2320G>C variant is predicted to result in the amino acid substitution p.Asp774His. To our knowledge, this variant has not been reported in the literature. This variant is reported in 0.038% of alleles in individuals of Latino descent in gnomAD. At this time, the clinical significance of this variant is uncertain due to the absence of conclusive functional and genetic evidence.

NM_006343.3(MERTK):c.2320G>C (p.Asp774His)

Gene: MERTK (MER proto-oncogene, tyrosine kinase; plus strand). Cytogenetic location: 2q13.
Variant type: single nucleotide variant.
Coding change: c.2320G>C on transcript NM_006343.3 (MANE Select); coding-DNA position 2320, G replaced by C.
Protein change: p.Asp774His; replaces aspartic acid 774 with histidine.
Molecular consequence: missense variant.
Genome position (GRCh38, 1-based): chr2:112,021,552, G>C. VCF-style: chr2-112021552-G-C. GRCh37 (hg19) VCF-style: chr2-112779129-G-C.
Other names: c.2320G>C (NM_006343.2); short protein forms D774H.
Identifiers: ClinVar variation 1352725 (VCV001352725.4), dbSNP rs776309058, ClinGen allele CA1831798.
Genomic context (GRCh38, chr2:112,021,552, plus strand): 5'-TACCGCCAAGGCCGCATTGCTAAGATGCCTGTTAAATGGATCGCCATAGAAAGTCTTGCA[G>C]ACCGAGTCTACACAAGTAAAAGTGATGTGGTATGTACACAGCTTTGATTCAGGGGTCCCA-3'
Protein context (NP_006334.2, residues 764-784): VKWIAIESLA[Asp774His]RVYTSKSDVW